The following is an entry in ClinVar:

ClinVar aggregate classification (germline): Pathogenic (1 of 4 stars; one submission).

Submission:

Labcorp Genetics (formerly Invitae), Labcorp
Classification: Pathogenic. Last evaluated: 2025-03-16. Review status: criteria provided, single submitter. Criteria: Invitae Variant Classification Sherloc (09022015). Collection method: clinical testing. Allele origin: germline.
Comment: This sequence change creates a premature translational stop signal (p.Val424Cysfs*21) in the SLC9A3 gene. It is expected to result in an absent or disrupted protein product. Loss-of-function variants in SLC9A3 are known to be pathogenic (PMID: 26358773). This variant is not present in population databases (gnomAD no frequency). This variant has not been reported in the literature in individuals affected with SLC9A3-related conditions. For these reasons, this variant has been classified as Pathogenic.

Literature cited by the submitters: PubMed 26358773.

NM_004174.4(SLC9A3):c.1270del (p.Val424fs)

Gene: SLC9A3 (solute carrier family 9 member A3). Cytogenetic location: 5p15.33.
Variant type: Deletion.
Coding change: c.1270del on transcript NM_004174.4 (MANE Select); coding-DNA position 1270, one base deleted.
Protein change: p.Val424fs; shifts the reading frame from valine 424.
Molecular consequence: frameshift variant.
Genome position: GRCh38 VCF-style: chr5-482633-AC-A. GRCh37 (hg19) VCF-style: chr5-482748-AC-A.
Other names: c.1270del, p.Val424fs (NM_001284351.3); short protein forms V424fs.
Identifiers: ClinVar variation 4715241 (VCV004715241.1).